The following is an entry in ClinVar:

NM_000018.4(ACADVL):c.1318_1319dup (p.Met440fs)

Gene: ACADVL (acyl-CoA dehydrogenase very long chain; plus strand). Cytogenetic location: 17p13.1.
Variant type: Duplication.
Coding change: c.1318_1319dup on transcript NM_000018.4 (MANE Select); coding-DNA positions 1318 to 1319, 2 bases duplicated (AT; older notation c.1318_1319dupAT).
Protein change: p.Met440fs; shifts the reading frame from methionine 440.
Molecular consequence: frameshift variant.
Genome position (GRCh38, 1-based): chr17:7,223,861-7,223,862, AT duplicated; duplicating any 2 consecutive bases within chr17:7,223,860-7,223,862 gives the same sequence; the c. name uses the placement nearest the transcript's 3' end. VCF-style (leftmost placement, unchanged base first): chr17-7223859-G-GTA. GRCh37 (hg19) VCF-style: chr17-7127178-G-GTA.
Other names: c.1252_1253dup, p.Met418fs (NM_001033859.3); c.1387_1388dup, p.Met463fs (NM_001270447.2); c.1090_1091dup, p.Met364fs (NM_001270448.2); short protein forms M364fs, M418fs, M440fs, M463fs.
Identifiers: ClinVar variation 2120862 (VCV002120862.6), dbSNP rs2508345221, ClinGen allele CA2580094789.

ClinVar aggregate classification (germline): Pathogenic/Likely pathogenic. Review status: criteria provided, multiple submitters, no conflicts (2 of 4 stars). 3 submissions from 3 submitters: Pathogenic (2); Likely pathogenic (1). Last evaluated 2023-09-17.

Conditions:
Very long chain acyl-CoA dehydrogenase deficiency (ACADVLD). Also called: Very Long-Chain Acyl-Coenzyme A Dehydrogenase Deficiency; VLCAD Deficiency. Identifiers: Orphanet 26793, MedGen C3887523, MONDO:0008723, OMIM 201475.

Submissions (3):

Myriad Genetics, Inc.
Classification: Pathogenic for Very long chain acyl-CoA dehydrogenase deficiency. Last evaluated: 2023-09-17. Review status: criteria provided, single submitter. Criteria: Myriad Autosomal Dominant, Autosomal Recessive and X-Linked Classification Criteria (2023). Collection method: clinical testing. Allele origin: unknown.
Comment: NM_000018.3(ACADVL):c.1318_1319dupAT(M440Ifs*5) is expected to be pathogenic in the context of very-long-chain acyl-CoA dehydrogenase deficiency. This variant is predicted to lead to an abnormal or absent protein product due to the creation of a premature termination codon in ACADVL, a gene where loss-of-function variants are known to be pathogenic. Please note: this variant was assessed in the context of healthy population screening.

Baylor Genetics
Classification: Likely pathogenic for Very long chain acyl-CoA dehydrogenase deficiency. Last evaluated: 2023-09-09. Review status: criteria provided, single submitter. Criteria: ACMG Guidelines, 2015. Collection method: clinical testing. Allele origin: unknown.

Labcorp Genetics (formerly Invitae), Labcorp
Classification: Pathogenic for Very long chain acyl-CoA dehydrogenase deficiency. Last evaluated: 2022-04-02. Review status: criteria provided, single submitter. Criteria: Invitae Variant Classification Sherloc (09022015). Collection method: clinical testing. Allele origin: germline.
Comment: This sequence change creates a premature translational stop signal (p.Met440Ilefs*5) in the ACADVL gene. It is expected to result in an absent or disrupted protein product. Loss-of-function variants in ACADVL are known to be pathogenic (PMID: 9973285, 11590124). This variant is not present in population databases (gnomAD no frequency). This variant has not been reported in the literature in individuals affected with ACADVL-related conditions. Algorithms developed to predict the effect of sequence changes on RNA splicing suggest that this variant may disrupt the consensus splice site. For these reasons, this variant has been classified as Pathogenic.

Literature cited by the submitters: PubMed 9973285 (cited by Labcorp Genetics (formerly Invitae), Labcorp); PubMed 11590124 (cited by Labcorp Genetics (formerly Invitae), Labcorp).